The following is an entry in ClinVar:

NM_001379081.2(FREM1):c.3541G>C (p.Asp1181His)

Gene: FREM1 (FRAS1 related extracellular matrix 1; minus strand). Cytogenetic location: 9p22.3.
Variant type: single nucleotide variant.
Coding change: c.3541G>C on transcript NM_001379081.2 (MANE Select); coding-DNA position 3541, G replaced by C.
Protein change: p.Asp1181His; replaces aspartic acid 1181 with histidine.
Molecular consequence: missense variant. On other transcripts: non-coding transcript variant (2).
Genome position (GRCh38, 1-based): chr9:14,801,805, C>G on the plus strand (G>C on the coding strand, the complement: FREM1 is on the minus strand). VCF-style: chr9-14801805-C-G. GRCh37 (hg19) VCF-style: chr9-14801803-C-G.
Other names: c.3541G>C, p.Asp1181His (NM_144966.7); short protein forms D1181H.
Identifiers: ClinVar variation 1950387 (VCV001950387.4), dbSNP rs771144061, ClinGen allele CA372967848.

ClinVar aggregate classification (germline): Uncertain significance (1 of 4 stars; one submission).

Submission:

Labcorp Genetics (formerly Invitae), Labcorp
Classification: Uncertain significance. Last evaluated: 2022-07-14. Review status: criteria provided, single submitter. Criteria: Invitae Variant Classification Sherloc (09022015). Collection method: clinical testing. Allele origin: germline.
Comment: This sequence change replaces aspartic acid, which is acidic and polar, with histidine, which is basic and polar, at codon 1181 of the FREM1 protein (p.Asp1181His). This variant is not present in population databases (gnomAD no frequency). This variant has not been reported in the literature in individuals affected with FREM1-related conditions. Algorithms developed to predict the effect of missense changes on protein structure and function are either unavailable or do not agree on the potential impact of this missense change (SIFT: "Deleterious"; PolyPhen-2: "Probably Damaging"; Align-GVGD: "Class C0"). In summary, the available evidence is currently insufficient to determine the role of this variant in disease. Therefore, it has been classified as a Variant of Uncertain Significance.